The following is an entry in ClinVar:

ClinVar aggregate classification (germline): Benign. Review status: criteria provided, multiple submitters, no conflicts (2 of 4 stars). 4 submissions from 4 submitters: Benign (4). Last evaluated 2024-07-15.

Conditions:
Developmental and epileptic encephalopathy, 77. Also called: GLYCOSYLPHOSPHATIDYLINOSITOL BIOSYNTHESIS DEFECT 19; MULTIPLE CONGENITAL ANOMALIES-HYPOTONIA-SEIZURES SYNDROME 4; EPILEPTIC ENCEPHALOPATHY, EARLY INFANTILE, 77. Identifiers: MedGen C5231405, MONDO:0032808, OMIM 618548.

Allele frequency attached by ClinVar (database versions not stated): ESP Exome Variant Server 0.39524; gnomAD 0.44936 and 0.45803; TOPMed 0.44950; gnomAD exomes 0.46519; 1000 Genomes Project 30x 0.52436; 1000 Genomes Project 0.52875.
gnomAD v4.1: 662,583 of 1,513,024 alleles (44%); highest among the groups gnomAD compares: East Asian, 66%; 154,731 homozygotes.

Submissions (4):

Unidad de Genómica Garrahan, Hospital de Pediatría Garrahan
Classification: Benign. Last evaluated: 2024-07-15. Review status: criteria provided, single submitter. Criteria: ACMG Guidelines, 2015. Collection method: clinical testing. Allele origin: germline. Affected: no. Observed: 50 variant alleles.
Comment: This variant is classified as Benign based on local population frequency. This variant was detected in 54% of patients studied in a panel designed for Epileptic and Developmental Encephalopathy and Progressive Myoclonus Epilepsy. Number of patients: 50. Only high quality variants are reported.

Genome-Nilou Lab
Classification: Benign for Developmental and epileptic encephalopathy, 77. Last evaluated: 2021-07-14. Review status: criteria provided, single submitter. Criteria: ACMG Guidelines, 2015. Collection method: clinical testing. Allele origin: germline. Affected: no.

GeneDx
Classification: Benign. Last evaluated: 2021-05-14. Review status: criteria provided, single submitter. Criteria: GeneDx Variant Classification Process June 2021. Collection method: clinical testing. Allele origin: germline. Affected: yes.

Breakthrough Genomics
Classification: Benign. Review status: criteria provided, single submitter. Criteria: ACMG Guidelines, 2015. Collection method: not provided. Allele origin: germline. Inheritance: Autosomal recessive inheritance. Affected: yes.

NM_004204.5(PIGQ):c.1532-23T>C

Gene: PIGQ (phosphatidylinositol glycan anchor biosynthesis class Q; plus strand). Cytogenetic location: 16p13.3.
Variant type: single nucleotide variant.
Coding change: c.1532-23T>C on transcript NM_004204.5 (MANE Select); 23 bases into the intron before coding-DNA position 1532, T replaced by C.
Molecular consequence: intron variant.
Genome position (GRCh38, 1-based): chr16:582,225, T>C. VCF-style: chr16-582225-T-C. GRCh37 (hg19) VCF-style: chr16-632225-T-C.
Other names: c.1532-658T>C (NM_148920.4).
Identifiers: ClinVar variation 1185305 (VCV001185305.6), dbSNP rs4006748, ClinGen allele CA7780416.